The following is an entry in ClinVar:

NM_000132.4(F8):c.1018G>A (p.Glu340Lys)

Gene: F8 (coagulation factor VIII; minus strand). Cytogenetic location: Xq28.
Variant type: single nucleotide variant.
Coding change: c.1018G>A on transcript NM_000132.4 (MANE Select); coding-DNA position 1018, G replaced by A.
Protein change: p.Glu340Lys; replaces glutamic acid 340 with lysine.
Molecular consequence: missense variant.
Genome position (GRCh38, 1-based): chrX:154,966,679, C>T on the plus strand (G>A on the coding strand, the complement: F8 is on the minus strand). VCF-style: chrX-154966679-C-T. GRCh37 (hg19) VCF-style: chrX-154194954-C-T.
Other names: short protein forms E340K.
Identifiers: ClinVar variation 1163210 (VCV001163210.16), dbSNP rs781954986, ClinGen allele CA10568511.

ClinVar aggregate classification (germline): Conflicting classifications of pathogenicity. Review status: criteria provided, conflicting classifications (1 of 4 stars). 8 submissions from 8 submitters: Pathogenic (2); Likely pathogenic (2); Uncertain significance (4). Last evaluated 2025-02-03.

Conditions:
F8-related disorder. Also called: F8-related condition.
Factor VII deficiency. Also called: F7 DEFICIENCY; HYPOPROCONVERTINEMIA; Factor 7 deficiency. Identifiers: MedGen C0015503, MeSH D005168, MONDO:0002244.
Hereditary factor VIII deficiency disease (HEMA). Also called: HEMOPHILIA, CLASSIC; Hemophilia A; Hemophilia A, congenital; HEM A; Factor 8 deficiency, congenital; AUTOSOMAL HEMOPHILIA A. Identifiers: Orphanet 98878, MedGen C0019069, MONDO:0010602, OMIM 306700.
Thrombophilia, X-linked, due to factor 8 defect. Also called: THROMBOPHILIA, X-LINKED, DUE TO FACTOR VIII DEFECT; Thrombophilia 13, X-linked, due to factor VIII defect. Identifiers: MedGen C5676879, MONDO:0859082, OMIM 301071.

Allele frequency attached by ClinVar (database versions not stated): TOPMed 0.00001; gnomAD 0.00004; gnomAD exomes 0.00008 and 0.00019; ExAC 0.00021; 1000 Genomes Project 30x 0.00062; 1000 Genomes Project 0.00079.
gnomAD v4.1: 92 of 1,209,437 alleles (0.0076%); highest among the groups gnomAD compares: South Asian, 0.14%; no homozygotes.

Submissions (8):

GeneDx
Classification: Likely pathogenic. Last evaluated: 2025-02-03. Review status: criteria provided, single submitter. Criteria: GeneDx Variant Classification Process June 2021. Collection method: clinical testing. Allele origin: germline. Affected: yes.
Comment: Described in association with mild inverse discrepant hemophilia A (PMID: 10404764, 16128892, 19473423, 21751985, 26383047, 32232366); Located in the A1 domain and reported to impair thrombin activation (PMID: 15572214, 18510534, 19995408, 36473488); In silico analysis indicates that this missense variant does not alter protein structure/function; Also known as Glu321Lys (E321K); This variant is associated with the following publications: (PMID: 10404764, 21751985, 32232366, 36473488, 26383047, 23812942, 18510534, 15572214, 19473423, 19995408, 2014_Faridi_F8 Review, Abstract_Brondke_2009, 32166871, 16128892, 28750473, 37647632)

PreventionGenetics, part of Exact Sciences
Classification: Uncertain significance for F8-related condition. Last evaluated: 2024-10-24. Review status: criteria provided, single submitter. Criteria: ACMG Guidelines, 2015. Collection method: clinical testing. Allele origin: germline.
Comment: The F8 c.1018G>A variant is predicted to result in the amino acid substitution p.Glu340Lys. This variant has been reported in multiple individuals with mild hemophilia A (Waseem et al. 1999. PubMed ID: 10404764; Table S1, Markoff et al. 2009. PubMed ID: 19473423). This variant has also been reported to co-segregate in a family with hemophilia B; however, all the affected individuals also harbored a pathogenic missense variant in F9 (Prabhudesai et al. 2017. PubMed ID: 28750473). This variant is reported in 0.18% of alleles in individuals of South Asian descent including 18 hemizygotes in gnomAD. This variant has classifications ranging from pathogenic to uncertain by other institutions in ClinVar. At this time, the clinical significance of this variant is uncertain due to the absence of conclusive functional and genetic evidence.

North West Genomic Laboratory Hub, Manchester University NHS Foundation Trust
Classification: Likely pathogenic for Factor VII deficiency. Last evaluated: 2024-10-09. Review status: criteria provided, single submitter. Criteria: ACGS Best Practice Guidelines for Variant Classification in Rare Disease 2020. Collection method: clinical testing. Allele origin: germline. Affected: yes.
Comment: PP4_Str PM5_Supp PP3_Supp

ARUP Laboratories, Molecular Genetics and Genomics, ARUP Laboratories
Classification: Pathogenic. Last evaluated: 2023-06-20. Review status: criteria provided, single submitter. Criteria: ARUP Molecular Germline Variant Investigation Process 2024. Collection method: clinical testing. Allele origin: germline.
Comment: The F8 c.1018G>A; p.Glu340Lys variant (rs781954986), also known as E321K, is reported in the literature in multiple individuals affected with mild hemophilia A (Jayandharan 2005, Markoff 2009, Prabhudesai 2017, Waseem 1999). This variant is found in the South Asian population with an allele frequency of 0.18% (34/19075 alleles) in the Genome Aggregation Database. Computational analyses predict that this variant is deleterious (REVEL: 0.758). Additionally, another variant at this codon (c.1020A>C; p.Glu240Asp) has been reported in individuals with mild hemophilia A (Green 2008). Based on available information, this variant is considered to be pathogenic. References: Green PM et al. Haemophilia A mutations in the UK: results of screening one-third of the population. Br J Haematol. 2008 Oct;143(1):115-28. PMID: 18691168. Jayandharan G et al. Identification of factor VIII gene mutations in 101 patients with haemophilia A: mutation analysis by inversion screening and multiplex PCR and CSGE and molecular modelling of 10 novel missense substitutions. Haemophilia. 2005 Sep;11(5):481-91. PMID: 16128892. Markoff A et al. Combined homology modelling and evolutionary significance evaluation of missense mutations in blood clotting factor VIII to highlight aspects of structure and function. Haemophilia. 2009 Jul;15(4):932-41. PMID: 19473423. Prabhudesai A et al. A de novo factor VIII mutation in a haemophilia B family leading to combined deficiency of factor VIII and IX. Haemophilia. 2017 Sep;23(5):e477-e479. PMID: 28750473 Waseem NH et al. Start of UK confidential haemophilia A database: analysis of 142 patients by solid phase fluorescent chemical cleavage of mismatch. Haemophilia Centres. Thromb Haemost. 1999 Jun;81(6):900-5. PMID: 10404764.

Revvity Omics, Revvity
Classification: Uncertain significance. Last evaluated: 2022-07-18. Review status: criteria provided, single submitter. Criteria: ACMG Guidelines, 2015. Collection method: clinical testing. Allele origin: germline.

Mendelics
Classification: Pathogenic for Thrombophilia, X-linked, due to factor 8 defect. Last evaluated: 2022-05-04. Review status: criteria provided, single submitter. Criteria: Mendelics Assertion Criteria 2019. Collection method: clinical testing. Allele origin: germline.

Genetics and Molecular Pathology, SA Pathology
Classification: Uncertain significance for Hereditary factor VIII deficiency disease. Last evaluated: 2020-12-29. Review status: criteria provided, single submitter. Criteria: ACMG Guidelines, 2015. Collection method: clinical testing. Allele origin: germline. Inheritance: X-linked recessive inheritance. Affected: yes.

Mayo Clinic Laboratories, Mayo Clinic
Classification: Uncertain significance. Last evaluated: 2020-04-14. Review status: criteria provided, single submitter. Criteria: ACMG Guidelines, 2015. Collection method: clinical testing. Allele origin: germline. Observed: 1 variant allele.